The following is an entry in ClinVar:

NM_001349338.3(FOXP1):c.1062+3A>G

Gene: FOXP1 (forkhead box P1; minus strand). Cytogenetic location: 3p13.
Variant type: single nucleotide variant.
Coding change: c.1062+3A>G on transcript NM_001349338.3 (MANE Select); 3 bases into the intron after coding-DNA position 1062, A replaced by G.
Molecular consequence: intron variant.
Genome position (GRCh38, 1-based): chr3:71,000,969, T>C on the plus strand (A>G on the coding strand, the complement: FOXP1 is on the minus strand). VCF-style: chr3-71000969-T-C. GRCh37 (hg19) VCF-style: chr3-71050120-T-C.
Other names: c.1062+3A>G (NM_001244810.2, NM_032682.6, NM_001349340.3 and 3 more transcripts); c.1059+3A>G (NM_001349341.3); c.834+3A>G (NM_001244812.3); c.759+3A>G (NM_001349343.3, NM_001349337.2, NM_001349344.3); c.762+3A>G (NM_001349342.3, NM_001370548.1, NM_001244815.2 and 1 more transcripts).
Identifiers: ClinVar variation 5006694 (VCV005006694.2).

ClinVar aggregate classification (germline): Uncertain significance (1 of 4 stars; one submission).

Conditions:
Intellectual disability-severe speech delay-mild dysmorphism syndrome (IDDLA). Also called: FOXP1 Syndrome; Mental retardation with language impairment and autistic features; Intellectual developmental disorder with language impairment AND with or without autistic features. Identifiers: Orphanet 391372, MedGen C4013764, MONDO:0013352, OMIM 613670.

Submission:

Juno Genomics, Hangzhou Juno Genomics, Inc
Classification: Uncertain significance for Intellectual disability-severe speech delay-mild dysmorphism syndrome. Review status: criteria provided, single submitter. Criteria: ACMG Guidelines, 2015. Collection method: clinical testing. Allele origin: germline.
Comment: Absent from controls (or at extremely low frequency if recessive) in Genome Aggregation Database.;Multiple lines of computational evidence support a deleterious effect on the gene or gene product.;De novo (both maternity and paternity confirmed) in a patient with the disease and no family history.;Patient's phenotype or family history is highly specific for a disease with a single genetic etiology.